The following is an entry in ClinVar:

ClinVar aggregate classification (germline): Conflicting classifications of pathogenicity. Review status: criteria provided, conflicting classifications (1 of 4 stars). 5 submissions from 5 submitters: Uncertain significance (1); Likely benign (3). 1 of the submissions does not count toward it. Last evaluated 2025-12-30.

Conditions:
DNAJC5-related disorder. Also called: DNAJC5-related condition.
Neuronal ceroid lipofuscinosis. Also called: Neuronal Ceroid Lipofuscinoses. Identifiers: Orphanet 216, Orphanet 79263, MedGen C0027877, MONDO:0016295. Disease mechanism: loss of function.

Allele frequency attached by ClinVar (database versions not stated): ExAC 0.00001; gnomAD 0.00001; gnomAD exomes 0.00001; TOPMed 0.00002.
gnomAD v4.1: 11 of 1,614,036 alleles (0.00068%); highest among the groups gnomAD compares: East Asian, 0.0022%; no homozygotes.

Submissions (5):

Women's Health and Genetics/Laboratory Corporation of America, LabCorp
Classification: Likely benign. Last evaluated: 2025-12-30. Review status: criteria provided, single submitter. Criteria: LabCorp Variant Classification Summary - May 2015. Collection method: clinical testing. Allele origin: germline.
Comment: Variant summary: DNAJC5 c.429C>T alters a conserved nucleotide resulting in a synonymous change. Several computational tools predict a significant impact on normal splicing: One predicts the variant strengthens a cryptic 5' donor site. Three predict the variant creates a cryptic 5' donor site. However, these predictions have yet to be confirmed by functional studies. The variant allele was found at a frequency of 6.8e-06 in 1614036 control chromosomes. The observed variant frequency exceeds the estimated maximal expected allele frequency for disease-causing variants in DNAJC5. To our knowledge, no occurrence of c.429C>T in individuals affected with DNAJC5-related conditions and no experimental evidence demonstrating its impact on protein function have been reported. ClinVar contains an entry for this variant (Variation ID: 853282). Based on the evidence outlined above, the variant was classified as likely benign.

Labcorp Genetics (formerly Invitae), Labcorp
Classification: Likely benign for Neuronal ceroid lipofuscinosis. Last evaluated: 2025-12-21. Review status: criteria provided, single submitter. Criteria: Invitae Variant Classification Sherloc (09022015). Collection method: clinical testing. Allele origin: germline.

Blueprint Genetics
Classification: Likely benign. Last evaluated: 2024-07-04. Review status: criteria provided, single submitter. Criteria: ACMG Guidelines, 2015. Collection method: clinical testing. Allele origin: germline.

GeneDx
Classification: Uncertain significance. Last evaluated: 2020-01-22. Review status: criteria provided, single submitter. Criteria: GeneDx Variant Classification Process June 2021. Collection method: clinical testing. Allele origin: germline. Affected: yes.
Comment: In silico analysis, which includes splice predictors and evolutionary conservation, suggests this variant may impact gene splicing. In the absence of RNA/functional studies, the actual effect of this sequence change is unknown.; Has not been previously published as pathogenic or benign to our knowledge

PreventionGenetics, part of Exact Sciences
Classification: Likely benign for DNAJC5-related condition. Last evaluated: 2024-09-17. Review status: no assertion criteria provided. Collection method: clinical testing. Allele origin: germline. Not counted in ClinVar's aggregate classification.
Comment: This variant is classified as likely benign based on ACMG/AMP sequence variant interpretation guidelines (Richards et al. 2015 PMID: 25741868, with internal and published modifications).

NM_025219.3(DNAJC5):c.429C>T (p.Gly143=)

Gene: DNAJC5 (DnaJ heat shock protein family (Hsp40) member C5; plus strand). Cytogenetic location: 20q13.33.
Variant type: single nucleotide variant.
Coding change: c.429C>T on transcript NM_025219.3 (MANE Select); coding-DNA position 429, C replaced by T.
Protein change: p.Gly143=; no amino-acid change (glycine 143 retained).
Molecular consequence: synonymous variant.
Genome position (GRCh38, 1-based): chr20:63,930,958, C>T. VCF-style: chr20-63930958-C-T. GRCh37 (hg19) VCF-style: chr20-62562311-C-T.
Identifiers: ClinVar variation 853282 (VCV000853282.15), dbSNP rs753956759, ClinGen allele CA9969744.